The following is an entry in ClinVar:

ClinVar aggregate classification (germline): Uncertain significance. Review status: criteria provided, multiple submitters, no conflicts (2 of 4 stars). 2 submissions from 2 submitters: Uncertain significance (2). Last evaluated 2024-11-04.

Conditions:
Long QT syndrome (LQTS). Identifiers: MedGen C0023976, MeSH D008133, MONDO:0002442. Disease mechanism: loss of function. Inheritance: Various modes of inheritance.
Long QT syndrome 12 (LQT12). Identifiers: Orphanet 101016, Orphanet 768, MedGen C2751830, MONDO:0013062, OMIM 612955.

Submissions (2):

Labcorp Genetics (formerly Invitae), Labcorp
Classification: Uncertain significance for Long QT syndrome. Last evaluated: 2024-11-04. Review status: criteria provided, single submitter. Criteria: Invitae Variant Classification Sherloc (09022015). Collection method: clinical testing. Allele origin: germline.
Comment: This sequence change falls in intron 4 of the SNTA1 gene. It does not directly change the encoded amino acid sequence of the SNTA1 protein. It affects a nucleotide within the consensus splice site. This variant is not present in population databases (gnomAD no frequency). This variant has not been reported in the literature in individuals affected with SNTA1-related conditions. ClinVar contains an entry for this variant (Variation ID: 1374406). Variants that disrupt the consensus splice site are a relatively common cause of aberrant splicing (PMID: 17576681, 9536098). Algorithms developed to predict the effect of sequence changes on RNA splicing suggest that this variant is not likely to affect RNA splicing. In summary, the available evidence is currently insufficient to determine the role of this variant in disease. Therefore, it has been classified as a Variant of Uncertain Significance.

Revvity Omics, Revvity
Classification: Uncertain significance for Long QT syndrome 12. Last evaluated: 2020-12-01. Review status: criteria provided, single submitter. Criteria: ACMG Guidelines, 2015. Collection method: clinical testing. Allele origin: germline.

Literature cited by the submitters: PubMed 17576681 (cited by Labcorp Genetics (formerly Invitae), Labcorp); PubMed 9536098 (cited by Labcorp Genetics (formerly Invitae), Labcorp).

NM_003098.3(SNTA1):c.910-3C>T

Gene: SNTA1 (syntrophin alpha 1; minus strand). Cytogenetic location: 20q11.21.
Variant type: single nucleotide variant.
Coding change: c.910-3C>T on transcript NM_003098.3 (MANE Select); 3 bases into the intron before coding-DNA position 910, C replaced by T.
Molecular consequence: intron variant.
Genome position (GRCh38, 1-based): chr20:33,412,429, G>A on the plus strand (C>T on the coding strand, the complement: SNTA1 is on the minus strand). VCF-style: chr20-33412429-G-A. GRCh37 (hg19) VCF-style: chr20-32000235-G-A.
Other names: c.910-3C>T (NM_003098.2).
Identifiers: ClinVar variation 1374406 (VCV001374406.8), dbSNP rs1989763108, ClinGen allele CA2360741727.